The following is an entry in ClinVar:

NM_152564.5(VPS13B):c.7338T>C (p.Phe2446=)

Gene: VPS13B (vacuolar protein sorting 13 homolog B; plus strand). Cytogenetic location: 8q22.2.
Variant type: single nucleotide variant.
Coding change: c.7338T>C on transcript NM_152564.5 (MANE Select); coding-DNA position 7338, T replaced by C.
Protein change: p.Phe2446=; no amino-acid change (phenylalanine 2446 retained).
Molecular consequence: synonymous variant.
Genome position (GRCh38, 1-based): chr8:99,776,865, T>C. VCF-style: chr8-99776865-T-C. GRCh37 (hg19) VCF-style: chr8-100789093-T-C.
Other names: p.Phe2471=; c.7413T>C, p.Phe2471= (NM_017890.5).
Identifiers: ClinVar variation 197444 (VCV000197444.66), dbSNP rs150771329, ClinGen allele CA202890.

ClinVar aggregate classification (germline): Benign/Likely benign. Review status: criteria provided, multiple submitters, no conflicts (2 of 4 stars). 10 submissions from 10 submitters: Benign (5); Likely benign (4). 1 of the submissions does not count toward it. Last evaluated 2026-02-02.

Conditions:
Inborn genetic diseases. Identifiers: MedGen C0950123, MeSH D030342.
Cohen syndrome (COH1). Also called: PEPPER SYNDROME; Cutis verticis gyrata, retinitis pigmentosa, and sensorineural deafness. Identifiers: Orphanet 193, MedGen C0265223, MONDO:0008999, OMIM 216550.

Allele frequency attached by ClinVar (database versions not stated): gnomAD exomes 0.00039 and 0.00104; ExAC 0.00140; 1000 Genomes Project 30x 0.00468; 1000 Genomes Project 0.00479; gnomAD 0.00488 and 0.00528; ESP Exome Variant Server 0.00515; TOPMed 0.00535.
gnomAD v4.1: 1,339 of 1,614,120 alleles (0.083%); highest among the groups gnomAD compares: African/African-American, 1.6%; 7 homozygotes.

Submissions (10):

Labcorp Genetics (formerly Invitae), Labcorp
Classification: Benign for Cohen syndrome. Last evaluated: 2026-02-02. Review status: criteria provided, single submitter. Criteria: Invitae Variant Classification Sherloc (09022015). Collection method: clinical testing. Allele origin: germline.

Women's Health and Genetics/Laboratory Corporation of America, LabCorp
Classification: Likely benign. Last evaluated: 2026-01-23. Review status: criteria provided, single submitter. Criteria: LabCorp Variant Classification Summary - May 2015. Collection method: clinical testing. Allele origin: germline.

Mayo Clinic Laboratories, Mayo Clinic
Classification: Benign. Last evaluated: 2024-12-16. Review status: criteria provided, single submitter. Criteria: ACMG Guidelines, 2015. Collection method: clinical testing. Allele origin: germline. Observed: 10 variant alleles.
Comment: BS1, BS2, BP4, BP7

Blueprint Genetics
Classification: Likely benign. Last evaluated: 2024-11-05. Review status: criteria provided, single submitter. Criteria: ACMG Guidelines, 2015. Collection method: clinical testing. Allele origin: germline.

GeneDx
Classification: Benign. Last evaluated: 2019-11-20. Review status: criteria provided, single submitter. Criteria: GeneDx Variant Classification Process June 2021. Collection method: clinical testing. Allele origin: germline. Affected: yes.

Illumina Laboratory Services, Illumina
Classification: Benign for Cohen syndrome. Last evaluated: 2018-01-12. Review status: criteria provided, single submitter. Criteria: ICSL Variant Classification Criteria 13 December 2019. Collection method: clinical testing. Allele origin: germline.
Comment: This variant was observed in the ICSL laboratory as part of a predisposition screen in an ostensibly healthy population. It had not been previously curated by ICSL or reported in the Human Gene Mutation Database (HGMD: prior to June 1st, 2018), and was therefore a candidate for classification through an automated scoring system. Utilizing variant allele frequency, disease prevalence and penetrance estimates, and inheritance mode, an automated score was calculated to assess if this variant is too frequent to cause the disease. Based on the score and internal cut-off values, a variant classified as benign is not then subjected to further curation. The score for this variant resulted in a classification of benign for this disease.

Ambry Genetics
Classification: Likely benign for Inborn genetic diseases. Last evaluated: 2017-01-17. Review status: criteria provided, single submitter. Criteria: Ambry Variant Classification Scheme 2023. Collection method: clinical testing. Allele origin: germline.

Eurofins Ntd Llc (ga)
Classification: Benign. Last evaluated: 2014-05-16. Review status: criteria provided, single submitter. Criteria: EGL Classification Definitions 2015. Collection method: clinical testing. Allele origin: germline. Observed: 1 variant allele, 1 heterozygote.

Breakthrough Genomics
Classification: Likely benign. Review status: criteria provided, single submitter. Criteria: ACMG Guidelines, 2015. Collection method: not provided. Allele origin: germline. Inheritance: Autosomal recessive inheritance. Affected: yes.

Natera, Inc.
Classification: Benign for Cohen syndrome. Last evaluated: 2019-12-06. Review status: no assertion criteria provided. Collection method: clinical testing. Allele origin: germline. Not counted in ClinVar's aggregate classification.